The following is an entry in ClinVar:

NM_000179.3(MSH6):c.346G>A (p.Asp116Asn)

Gene: MSH6 (mutS homolog 6; plus strand). Cytogenetic location: 2p16.3.
Variant type: single nucleotide variant.
Coding change: c.346G>A on transcript NM_000179.3 (MANE Select); coding-DNA position 346, G replaced by A.
Protein change: p.Asp116Asn; replaces aspartic acid 116 with asparagine.
Molecular consequence: missense variant. On other transcripts: 5 prime UTR variant (2), intron variant (1).
Genome position (GRCh38, 1-based): chr2:47,791,012, G>A. VCF-style: chr2-47791012-G-A. GRCh37 (hg19) VCF-style: chr2-48018151-G-A.
Other names: c.-391G>A (NM_001281493.2); c.-557G>A (NM_001281494.2); c.237+7542G>A (NM_001281492.2); short protein forms D116N.
Identifiers: ClinVar variation 410388 (VCV000410388.10), dbSNP rs1060502871, ClinGen allele CA16610842.
Genomic context (GRCh38, chr2:47,791,012, plus strand): 5'-GTTTGGGCCAAGATGGAGGGTTACCCCTGGTGGCCTTGTCTGGTTTACAACCACCCCTTT[G>A]ATGGAACATTCATCCGCGAGAAAGGGAAATCAGTCCGTGTTCATGTACAGTTTTTTGATG-3'
Protein context (NP_000170.1, residues 106-126): WPCLVYNHPF[Asp116Asn]GTFIREKGKS

ClinVar aggregate classification (germline): Uncertain significance (1 of 4 stars; one submission).

Conditions:
Hereditary nonpolyposis colorectal neoplasms. Identifiers: MedGen C0009405, MeSH D003123.

Submission:

Labcorp Genetics (formerly Invitae), Labcorp
Classification: Uncertain significance for Hereditary nonpolyposis colorectal neoplasms. Last evaluated: 2025-05-01. Review status: criteria provided, single submitter. Criteria: Invitae Variant Classification Sherloc (09022015). Collection method: clinical testing. Allele origin: germline.
Comment: This sequence change replaces aspartic acid, which is acidic and polar, with asparagine, which is neutral and polar, at codon 116 of the MSH6 protein (p.Asp116Asn). This variant is not present in population databases (gnomAD no frequency). This variant has not been reported in the literature in individuals affected with MSH6-related conditions. ClinVar contains an entry for this variant (Variation ID: 410388). Invitae Evidence Modeling of protein sequence and biophysical properties (such as structural, functional, and spatial information, amino acid conservation, physicochemical variation, residue mobility, and thermodynamic stability) indicates that this missense variant is not expected to disrupt MSH6 protein function with a negative predictive value of 95%. In summary, the available evidence is currently insufficient to determine the role of this variant in disease. Therefore, it has been classified as a Variant of Uncertain Significance.